The following is an entry in ClinVar:

ClinVar aggregate classification (germline): Uncertain significance. Review status: criteria provided, multiple submitters, no conflicts (2 of 4 stars). 2 submissions from 2 submitters: Uncertain significance (2). Last evaluated 2023-12-06.

Conditions:
Combined malonic and methylmalonic acidemia. Identifiers: Orphanet 289504, MedGen C3280314, MONDO:0013661, OMIM 614265.
Inborn genetic diseases. Identifiers: MedGen C0950123, MeSH D030342.

Allele frequency attached by ClinVar (database versions not stated): TOPMed below 0.00001; ExAC 0.00001; gnomAD 0.00001; gnomAD exomes 0.00001; ESP Exome Variant Server 0.00008.

Submissions (2):

Labcorp Genetics (formerly Invitae), Labcorp
Classification: Uncertain significance for Combined malonic and methylmalonic acidemia. Last evaluated: 2023-12-06. Review status: criteria provided, single submitter. Criteria: Invitae Variant Classification Sherloc (09022015). Collection method: clinical testing. Allele origin: germline.
Comment: This sequence change replaces glycine, which is neutral and non-polar, with arginine, which is basic and polar, at codon 506 of the ACSF3 protein (p.Gly506Arg). This variant is present in population databases (rs141971462, gnomAD 0.002%). This variant has not been reported in the literature in individuals affected with ACSF3-related conditions. ClinVar contains an entry for this variant (Variation ID: 2191768). Advanced modeling of protein sequence and biophysical properties (such as structural, functional, and spatial information, amino acid conservation, physicochemical variation, residue mobility, and thermodynamic stability) performed at Invitae indicates that this missense variant is expected to disrupt ACSF3 protein function with a positive predictive value of 80%. In summary, the available evidence is currently insufficient to determine the role of this variant in disease. Therefore, it has been classified as a Variant of Uncertain Significance.

Ambry Genetics
Classification: Uncertain significance for Inborn genetic diseases. Last evaluated: 2022-11-23. Review status: criteria provided, single submitter. Criteria: Ambry Variant Classification Scheme 2023. Collection method: clinical testing. Allele origin: germline.

NM_001243279.3(ACSF3):c.1516G>A (p.Gly506Arg)

Gene: ACSF3 (acyl-CoA synthetase family member 3; plus strand). Cytogenetic location: 16q24.3.
Variant type: single nucleotide variant.
Coding change: c.1516G>A on transcript NM_001243279.3 (MANE Select); coding-DNA position 1516, G replaced by A.
Protein change: p.Gly506Arg; replaces glycine 506 with arginine.
Molecular consequence: missense variant. On other transcripts: non-coding transcript variant (4).
Genome position (GRCh38, 1-based): chr16:89,145,952, G>A. VCF-style: chr16-89145952-G-A. GRCh37 (hg19) VCF-style: chr16-89212360-G-A.
Other names: c.1516G>A (NM_174917.3); c.1516G>A, p.Gly506Arg (NM_001127214.4, NM_174917.5); c.721G>A, p.Gly241Arg (NM_001284316.2); short protein forms G241R, G506R.
Identifiers: ClinVar variation 2191768 (VCV002191768.5), dbSNP rs141971462, ClinGen allele CA8238275.